The following is an entry in ClinVar:

ClinVar aggregate classification (germline): Uncertain significance (1 of 4 stars; one submission).

Allele frequency attached by ClinVar (database versions not stated): gnomAD exomes below 0.00001.
gnomAD v4.1: 3 of 1,603,374 alleles (0.00019%); highest among the groups gnomAD compares: Non-Finnish European, 0.00026%; no homozygotes.

Submission:

GeneDx
Classification: Uncertain significance. Last evaluated: 2023-04-16. Review status: criteria provided, single submitter. Criteria: GeneDx Variant Classification Process June 2021. Collection method: clinical testing. Allele origin: germline. Affected: yes.
Comment: Not observed at significant frequency in large population cohorts (gnomAD); In silico analysis supports that this missense variant has a deleterious effect on protein structure/function; Has not been previously published as pathogenic or benign to our knowledge

NM_001190274.2(FBXO11):c.703A>G (p.Ser235Gly)

Gene: FBXO11 (F-box protein 11; minus strand). Cytogenetic location: 2p16.3.
Variant type: single nucleotide variant.
Coding change: c.703A>G on transcript NM_001190274.2 (MANE Select); coding-DNA position 703, A replaced by G.
Protein change: p.Ser235Gly; replaces serine 235 with glycine.
Molecular consequence: missense variant.
Genome position (GRCh38, 1-based): chr2:47,835,886, T>C on the plus strand (A>G on the coding strand, the complement: FBXO11 is on the minus strand). VCF-style: chr2-47835886-T-C. GRCh37 (hg19) VCF-style: chr2-48063025-T-C.
Other names: c.451A>G, p.Ser151Gly (NM_001374325.1, NM_025133.4); short protein forms S151G, S235G.
Identifiers: ClinVar variation 2662850 (VCV002662850.1), dbSNP rs2531221792, ClinGen allele CA346812177.